The following is an entry in ClinVar:

NM_006379.5(SEMA3C):c.2015A>G (p.Asp672Gly)

Gene: SEMA3C (semaphorin 3C; minus strand). Cytogenetic location: 7q21.11.
Variant type: single nucleotide variant.
Coding change: c.2015A>G on transcript NM_006379.5 (MANE Select); coding-DNA position 2015, A replaced by G.
Protein change: p.Asp672Gly; replaces aspartic acid 672 with glycine.
Molecular consequence: missense variant.
Genome position (GRCh38, 1-based): chr7:80,745,135, T>C on the plus strand (A>G on the coding strand, the complement: SEMA3C is on the minus strand). VCF-style: chr7-80745135-T-C. GRCh37 (hg19) VCF-style: chr7-80374451-T-C.
Other names: c.2069A>G, p.Asp690Gly (NM_001350120.2); c.1841A>G, p.Asp614Gly (NM_001350121.2); c.2069A>G (NM_001350120.1); short protein forms D614G, D672G, D690G.
Identifiers: ClinVar variation 718913 (VCV000718913.7), dbSNP rs148790247, ClinGen allele CA4315929.

ClinVar aggregate classification (germline): Conflicting classifications of pathogenicity. Review status: criteria provided, conflicting classifications (1 of 4 stars). 3 submissions from 3 submitters: Uncertain significance (1); Likely benign (1). 1 of the submissions does not count toward it. Last evaluated 2023-10-14.

Conditions:
SEMA3C-related disorder. Also called: SEMA3C-related condition.

Allele frequency attached by ClinVar (database versions not stated): ExAC 0.00008; gnomAD exomes 0.00008 and 0.00016; gnomAD 0.00009; TOPMed 0.00011; ESP Exome Variant Server 0.00015.
gnomAD v4.1: 136 of 1,613,896 alleles (0.0084%); highest among the groups gnomAD compares: Admixed American, 0.035%; 1 homozygote.

Submissions (3):

Ambry Genetics
Classification: Uncertain significance. Last evaluated: 2023-10-14. Review status: criteria provided, single submitter. Criteria: Ambry Variant Classification Scheme 2023. Collection method: clinical testing. Allele origin: germline.

Labcorp Genetics (formerly Invitae), Labcorp
Classification: Likely benign. Last evaluated: 2019-12-31. Review status: criteria provided, single submitter. Criteria: Invitae Variant Classification Sherloc (09022015). Collection method: clinical testing. Allele origin: germline.

PreventionGenetics, part of Exact Sciences
Classification: Likely benign for SEMA3C-related condition. Last evaluated: 2022-03-17. Review status: no assertion criteria provided. Collection method: clinical testing. Allele origin: germline. Not counted in ClinVar's aggregate classification.
Comment: This variant is classified as likely benign based on ACMG/AMP sequence variant interpretation guidelines (Richards et al. 2015 PMID: 25741868, with internal and published modifications).